The following is an entry in ClinVar:

NM_000159.4(GCDH):c.1244-2A>C

Genes: GCDH (glutaryl-CoA dehydrogenase; plus strand), SYCE2 (synaptonemal complex central element protein 2; minus strand), LOC126862860 (BRD4-independent group 4 enhancer GRCh37_chr19:13010146-13011345; plus strand). Cytogenetic location: 19p13.13.
Variant type: single nucleotide variant.
Coding change: c.1244-2A>C on transcript NM_000159.4 (MANE Select); the canonical splice acceptor site of the intron before coding-DNA position 1244, A replaced by C.
Molecular consequence: splice acceptor variant. On other transcripts: intron variant (2).
Genome position (GRCh38, 1-based): chr19:12,899,466, A>C. VCF-style: chr19-12899466-A-C. GRCh37 (hg19) VCF-style: chr19-13010280-A-C.
Other names: c.1244-234A>C (NM_013976.5); c.613-81T>G (NM_001105578.2).
Identifiers: ClinVar variation 193976 (VCV000193976.33), dbSNP rs199999619, ClinGen allele CA274964.
Genomic context (GRCh38, chr19:12,899,466, plus strand): 5'-ATTTTAAAGGGAAGTTGTGAGCTATGAAAACTCCAAACCGACTCTGTATTAATCTTGTCC[A>C]GGTACACATGACATTCACGCCCTGATCCTTGGGAGAGCTATCACGGGAATCCAGGCGTTC-3'

ClinVar aggregate classification (germline): Pathogenic. Review status: criteria provided, multiple submitters, no conflicts (2 of 4 stars). 12 submissions from 12 submitters: Pathogenic (11). 1 of the submissions does not count toward it. Last evaluated 2025-12-08.

Conditions:
GCDH-related disorder. Also called: GCDH-related condition.
Glutaric aciduria, type 1. Also called: Glutaric acidemia type I; Glutaricacidemia Type 1; Glutaryl-CoA dehydrogenase deficiency; Glutaric Acidemia Type 1; GA I; Glutaricaciduria, type I. Identifiers: Orphanet 25, MedGen C0268595, MONDO:0009281, OMIM 231670.

Allele frequency attached by ClinVar (database versions not stated): gnomAD exomes 0.00001 and 0.00009; gnomAD 0.00003; TOPMed 0.00006; ExAC 0.00007; 1000 Genomes Project 30x 0.00016; 1000 Genomes Project 0.00020.
gnomAD v4.1: 21 of 1,614,214 alleles (0.0013%); highest among the groups gnomAD compares: East Asian, 0.045%; no homozygotes.

Submissions (12):

Natera, Inc.
Classification: Pathogenic for Glutaric acidemia type 1. Last evaluated: 2025-12-08. Review status: criteria provided, single submitter. Criteria: Natera Variant Classification Schema (03/2026). Collection method: clinical testing. Allele origin: germline.
Comment: The c.1244-2A>C variant in GCDH is a canonical splice acceptor site variant predicted to affect pre-mRNA splicing, which may result in an abnormal transcript and altered protein product. This variant may result in a truncated or dysfunctional protein product. This variant is rare in the general population with a frequency below the threshold expected for the associated phenotype(s). This variant has been observed in one or more individuals affected with the associated recessive disease, as either homozygous or compound heterozygous with a second variant (PMID: 11058907, 30904546, 34344405, 35367405). Functional studies show that this variant may disrupt protein function (PMID: 11058907). Given the available evidence, this variant is classified as Pathogenic.

Labcorp Genetics (formerly Invitae), Labcorp
Classification: Pathogenic for Glutaric aciduria, type 1. Last evaluated: 2025-11-25. Review status: criteria provided, single submitter. Criteria: Invitae Variant Classification Sherloc (09022015). Collection method: clinical testing. Allele origin: germline.
Comment: This sequence change affects an acceptor splice site in intron 11 of the GCDH gene. While this variant is not anticipated to result in nonsense mediated decay, it likely alters RNA splicing and results in a disrupted protein product. This variant is present in population databases (rs199999619, gnomAD 0.1%). Disruption of this splice site has been observed in individual(s) with glutaric aciduria, type I (PMID: 11058907, 15505393, 25256449, 27672653). In at least one individual the data is consistent with being in trans (on the opposite chromosome) from a pathogenic variant. It has also been observed to segregate with disease in related individuals. This variant is also known as IVS10-2A>C. ClinVar contains an entry for this variant (Variation ID: 193976). Variants that disrupt the consensus splice site are a relatively common cause of aberrant splicing (PMID: 17576681, 9536098). Algorithms developed to predict the effect of sequence changes on RNA splicing suggest that this variant may disrupt the consensus splice site. For these reasons, this variant has been classified as Pathogenic.

Revvity Omics, Revvity
Classification: Pathogenic for Glutaric aciduria, type 1. Last evaluated: 2025-04-04. Review status: criteria provided, single submitter. Criteria: ACMG Guidelines, 2015. Collection method: clinical testing. Allele origin: germline.

Blueprint Genetics
Classification: Pathogenic for GCDH-related disorders. Last evaluated: 2024-04-11. Review status: criteria provided, single submitter. Criteria: ACMG Guidelines, 2015. Collection method: clinical testing. Allele origin: germline. Affected: yes. Observed: 2 variant alleles.

Baylor Genetics
Classification: Pathogenic for Glutaric aciduria, type 1. Last evaluated: 2024-03-05. Review status: criteria provided, single submitter. Criteria: ACMG Guidelines, 2015. Collection method: clinical testing. Allele origin: unknown.

Fulgent Genetics
Classification: Pathogenic for Glutaric aciduria, type 1. Last evaluated: 2024-02-15. Review status: criteria provided, single submitter. Criteria: ACMG Guidelines, 2015. Collection method: clinical testing. Allele origin: germline.

GeneDx
Classification: Pathogenic. Last evaluated: 2023-04-14. Review status: criteria provided, single submitter. Criteria: GeneDx Variant Classification Process June 2021. Collection method: clinical testing. Allele origin: germline. Affected: yes.
Comment: Canonical splice site variant predicted to result in a null allele in a gene for which loss of function is a known mechanism of disease; This variant is associated with the following publications: (PMID: 18683078, 27672653, 15505393, 29419857, 29961769, 30298489, 32508882, 32005694, 35231114, 35095998, 34344405, 11058907)

Myriad Genetics, Inc.
Classification: Pathogenic for Glutaric aciduria, type 1. Last evaluated: 2021-10-01. Review status: criteria provided, single submitter. Criteria: Myriad Women's Health Autosomal Recessive and X-Linked Classification Criteria (2021). Collection method: clinical testing. Allele origin: unknown.
Comment: NM_000159.2(GCDH):c.1244-2A>C is a canonical splice variant classified as pathogenic in the context of glutaric acidemia, GCDH-related. c.1244-2A>C has been observed in cases with relevant disease (PMID: 23104440, 11058907). Functional assessments of this variant are not available in the literature. c.1244-2A>C has been observed in population frequency databases (gnomAD: EAS 0.12%). In summary, NM_000159.2(GCDH):c.1244-2A>C is a canonical splice variant in a gene where loss of function is a known mechanism of disease, is predicted to disrupt protein function, and has been observed more frequently in cases with the relevant disease than in healthy populations. Please note: this variant was assessed in the context of healthy population screening.

Eurofins Ntd Llc (ga)
Classification: Pathogenic. Last evaluated: 2018-09-10. Review status: criteria provided, single submitter. Criteria: EGL ClinVar v180209 classification definitions. Collection method: clinical testing. Allele origin: germline. Observed: 1 variant allele, 1 homozygote.

Women's Health and Genetics/Laboratory Corporation of America, LabCorp
Classification: Pathogenic for Glutaric aciduria, type 1. Last evaluated: 2016-06-25. Review status: criteria provided, single submitter. Criteria: LabCorp Variant Classification Summary - May 2015. Collection method: clinical testing. Allele origin: germline.
Comment: Variant summary: The GCDH c.1244-2A>C variant involves the alteration of a conserved intronic nucleotide. One in silico tool predicts a damaging outcome for this variant. 5/5 splicing algorithms predict this variant to abolish the splice acceptor site. This variant was found in 10/121612 control chromosomes at a frequency of 0.0000822, which does not exceed the estimated maximal expected allele frequency of a pathogenic GCDH variant (0.0035355).However, the variant was identified in multiple GA-1 patients in compound heterozygous or homozygous state and was shown to segregate with disease in at least one family. In addition, one clinical diagnostic laboratory classified this variant as pathogenic. Taken together, this variant is classified as pathogenic.

Juno Genomics, Hangzhou Juno Genomics, Inc
Classification: Pathogenic for Glutaric aciduria, type 1. Review status: criteria provided, single submitter. Criteria: ACMG Guidelines, 2015. Collection method: clinical testing. Allele origin: germline. Affected: yes.
Comment: Absent from controls (or at extremely low frequency if recessive) in Genome Aggregation Database, Exome Sequencing Project, 1000 Genomes Project, or Exome Aggregation Consortium.;Null variant in a gene where loss of function (LOF) is a known mechanism of disease.;For recessive disorders, detected in trans with a pathogenic variant.;Patient's phenotype or family history is highly specific for a disease with a single genetic etiology.

SingHealth Duke-NUS Institute of Precision Medicine
Classification: Pathogenic for Glutaric aciduria, type 1. Last evaluated: 2017-06-07. Review status: no assertion criteria provided. Collection method: curation. Allele origin: germline. Affected: no. Not counted in ClinVar's aggregate classification.

Literature cited by the submitters: PubMed 11058907 (cited by 5 submitters); PubMed 30904546 (cited by Natera, Inc.); PubMed 34344405 (cited by Natera, Inc.); PubMed 35367405 (cited by Natera, Inc.); PubMed 15505393 (cited by Labcorp Genetics (formerly Invitae), Labcorp and Women's Health and Genetics/Laboratory Corporation of America, LabCorp); PubMed 25256449 (cited by Labcorp Genetics (formerly Invitae), Labcorp); PubMed 27672653 (cited by Labcorp Genetics (formerly Invitae), Labcorp and Eurofins Ntd Llc (ga)); PubMed 17576681 (cited by Labcorp Genetics (formerly Invitae), Labcorp); PubMed 9536098 (cited by Labcorp Genetics (formerly Invitae), Labcorp); PubMed 23104440 (cited by Myriad Genetics, Inc.); PubMed 18683078 (cited by Eurofins Ntd Llc (ga) and Women's Health and Genetics/Laboratory Corporation of America, LabCorp); PubMed 21176883 (cited by Eurofins Ntd Llc (ga)).